The following is an entry in ClinVar:

ClinVar aggregate classification (germline): Uncertain significance (1 of 4 stars; one submission).

Conditions:
Hereditary cancer-predisposing syndrome. Also called: Neoplastic Syndromes, Hereditary; Tumor predisposition; Hereditary neoplastic syndrome; Hereditary Cancer Syndrome. Identifiers: Orphanet 140162, MedGen C0027672, MeSH D009386, MONDO:0015356.
Cardiovascular phenotype. Identifiers: MedGen CN230736.

Submission:

Ambry Genetics
Classification: Uncertain significance for Cardiovascular phenotype; Hereditary cancer-predisposing syndrome. Last evaluated: 2025-07-01. Review status: criteria provided, single submitter. Criteria: Ambry Variant Classification Scheme 2023. Collection method: clinical testing. Allele origin: germline.
Comment: The p.R2437I variant (also known as c.7310G>T), located in coding exon 49 of the NF1 gene, results from a G to T substitution at nucleotide position 7310. The arginine at codon 2437 is replaced by isoleucine, an amino acid with similar properties. This amino acid position is conserved. In addition, the in silico prediction for this alteration is inconclusive. Since supporting evidence is limited at this time, the clinical significance of this alteration remains unclear.

NM_001042492.3(NF1):c.7373G>T (p.Arg2458Ile)

Gene: NF1 (neurofibromin 1; plus strand). Cytogenetic location: 17q11.2.
Variant type: single nucleotide variant.
Coding change: c.7373G>T on transcript NM_001042492.3 (MANE Select); coding-DNA position 7373, G replaced by T.
Protein change: p.Arg2458Ile; replaces arginine 2458 with isoleucine.
Molecular consequence: missense variant.
Genome position (GRCh38, 1-based): chr17:31,350,234, G>T. VCF-style: chr17-31350234-G-T. GRCh37 (hg19) VCF-style: chr17-29677252-G-T.
Other names: c.7310G>T, p.Arg2437Ile (NM_000267.4); short protein forms R2458I, R2437I.
Identifiers: ClinVar variation 2452276 (VCV002452276.3), dbSNP rs1555536130, ClinGen allele CA399017051.